The following is an entry in ClinVar:

ClinVar aggregate classification (germline): Likely benign. Review status: criteria provided, single submitter (1 of 4 stars). 2 submissions from 2 submitters: Likely benign (1). 1 of the submissions does not count toward it. Last evaluated 2025-04-18.

Conditions:
DYNC1H1-related disorder. Also called: DYNC1H1-related condition; DYNC1H1-related disorders. Identifiers: MedGen CN381529.
Charcot-Marie-Tooth disease axonal type 2O. Also called: Charcot-Marie-Tooth Neuropathy Type 2O; Charcot-Marie-Tooth disease, axonal, type 20; CHARCOT-MARIE-TOOTH NEUROPATHY, AXONAL, TYPE 2O; CHARCOT-MARIE-TOOTH DISEASE, AXONAL, AUTOSOMAL DOMINANT, TYPE 2O. Identifiers: Orphanet 284232, MedGen C3280220, MONDO:0013644, OMIM 614228.

Allele frequency attached by ClinVar (database versions not stated): gnomAD 0.00001; gnomAD exomes 0.00001 and 0.00002; ExAC 0.00002; TOPMed 0.00002.
gnomAD v4.1: 34 of 1,614,050 alleles (0.0021%); highest among the groups gnomAD compares: South Asian, 0.0044%; no homozygotes.

Submissions (2):

Labcorp Genetics (formerly Invitae), Labcorp
Classification: Likely benign for Charcot-Marie-Tooth disease axonal type 2O. Last evaluated: 2025-04-18. Review status: criteria provided, single submitter. Criteria: Invitae Variant Classification Sherloc (09022015). Collection method: clinical testing. Allele origin: germline.

PreventionGenetics, part of Exact Sciences
Classification: Likely benign for DYNC1H1-related condition. Last evaluated: 2022-11-10. Review status: no assertion criteria provided. Collection method: clinical testing. Allele origin: germline. Not counted in ClinVar's aggregate classification.
Comment: This variant is classified as likely benign based on ACMG/AMP sequence variant interpretation guidelines (Richards et al. 2015 PMID: 25741868, with internal and published modifications).

NM_001376.5(DYNC1H1):c.11130C>T (p.Ser3710=)

Gene: DYNC1H1 (dynein cytoplasmic 1 heavy chain 1; plus strand). Cytogenetic location: 14q32.31.
Variant type: single nucleotide variant.
Coding change: c.11130C>T on transcript NM_001376.5 (MANE Select); coding-DNA position 11130, C replaced by T.
Protein change: p.Ser3710=; no amino-acid change (serine 3710 retained).
Molecular consequence: synonymous variant.
Genome position (GRCh38, 1-based): chr14:102,038,772, C>T. VCF-style: chr14-102038772-C-T. GRCh37 (hg19) VCF-style: chr14-102505109-C-T.
Other names: c.11130C>T (NM_001376.4).
Identifiers: ClinVar variation 1430056 (VCV001430056.10), dbSNP rs749713831, ClinGen allele CA7353546.
Genomic context (GRCh38, chr14:102,038,772, plus strand): 5'-AGATCTCTGTTCCCGGGTTACTTTTGTAAACTTCACAGTTACCCGTAGCAGTTTACAAAG[C>T]CAGTGTCTAAATGAAGTACTTAAAGCAGAAAGACCTGATGTGGACGAGAAACGATCTGAT-3'
Protein context (NP_001367.2, residues 3700-3720): NFTVTRSSLQ[Ser3710=]QCLNEVLKAE